The following is an entry in ClinVar:

ClinVar aggregate classification (germline): Uncertain significance. Review status: criteria provided, multiple submitters, no conflicts (2 of 4 stars). 3 submissions from 3 submitters: Uncertain significance (3). Last evaluated 2024-11-11.

Conditions:
Cardiomyopathy (CMYO). Also called: Cardiomyopathies. Identifiers: Orphanet 167848, MedGen C0878544, MONDO:0004994, HP:0001638. Inheritance: Various modes of inheritance.
Hypertrophic cardiomyopathy. Also called: HYPERTROPHIC MYOCARDIOPATHY. Identifiers: Orphanet 217569, MedGen C0007194, MeSH D002312, MONDO:0005045, HP:0001639.

Allele frequency attached by ClinVar (database versions not stated): gnomAD exomes below 0.00001.
gnomAD v4.1: 1 of 1,611,880 alleles (0.000062%); highest among the groups gnomAD compares: Non-Finnish European, 0.000085%; no homozygotes.

Submissions (3):

Labcorp Genetics (formerly Invitae), Labcorp
Classification: Uncertain significance for Hypertrophic cardiomyopathy. Last evaluated: 2024-11-11. Review status: criteria provided, single submitter. Criteria: Invitae Variant Classification Sherloc (09022015). Collection method: clinical testing. Allele origin: germline.
Comment: This sequence change replaces glycine, which is neutral and non-polar, with aspartic acid, which is acidic and polar, at codon 1839 of the MYH7 protein (p.Gly1839Asp). This variant is not present in population databases (gnomAD no frequency). This variant has not been reported in the literature in individuals affected with MYH7-related conditions. ClinVar contains an entry for this variant (Variation ID: 568631). Invitae Evidence Modeling of protein sequence and biophysical properties (such as structural, functional, and spatial information, amino acid conservation, physicochemical variation, residue mobility, and thermodynamic stability) indicates that this missense variant is expected to disrupt MYH7 protein function with a positive predictive value of 95%. In summary, the available evidence is currently insufficient to determine the role of this variant in disease. Therefore, it has been classified as a Variant of Uncertain Significance.

Mayo Clinic Laboratories, Mayo Clinic
Classification: Uncertain significance. Last evaluated: 2024-02-22. Review status: criteria provided, single submitter. Criteria: ACMG Guidelines, 2015. Collection method: clinical testing. Allele origin: germline. Observed: 1 variant allele.

Color Diagnostics, LLC DBA Color Health
Classification: Uncertain significance for Cardiomyopathy. Last evaluated: 2023-06-13. Review status: criteria provided, single submitter. Criteria: ACMG Guidelines, 2015. Collection method: clinical testing. Allele origin: germline.
Comment: This missense variant replaces glycine with aspartic acid at codon 1839 of the MYH7 protein. Computational prediction is inconclusive regarding the impact of this variant on protein structure and function (internally defined REVEL score threshold 0.5 < inconclusive < 0.7, PMID: 27666373). To our knowledge, functional studies have not been reported for this variant. This variant has not been reported in individuals affected with MYH7-related disorders in the literature. This variant has not been identified in the general population by the Genome Aggregation Database (gnomAD). The available evidence is insufficient to determine the role of this variant in disease conclusively. Therefore, this variant is classified as a Variant of Uncertain Significance.

NM_000257.4(MYH7):c.5516G>A (p.Gly1839Asp)

Gene: MYH7 (myosin heavy chain 7; minus strand). Cytogenetic location: 14q11.2.
Variant type: single nucleotide variant.
Coding change: c.5516G>A on transcript NM_000257.4 (MANE Select); coding-DNA position 5516, G replaced by A.
Protein change: p.Gly1839Asp; replaces glycine 1839 with aspartic acid.
Molecular consequence: missense variant.
Genome position (GRCh38, 1-based): chr14:23,415,038, C>T on the plus strand (G>A on the coding strand, the complement: MYH7 is on the minus strand). VCF-style: chr14-23415038-C-T. GRCh37 (hg19) VCF-style: chr14-23884247-C-T.
Other names: p.Gly1839Asp; short protein forms G1839D.
Identifiers: ClinVar variation 568631 (VCV000568631.12), dbSNP rs1566522362, ClinGen allele CA389035086.